The following is an entry in ClinVar:

ClinVar aggregate classification (germline): Pathogenic (1 of 4 stars; one submission).

Conditions:
Polycystic kidney disease, adult type (PKD1). Also called: POLYCYSTIC KIDNEY DISEASE 1 WITH OR WITHOUT POLYCYSTIC LIVER DISEASE; Polycystic Kidney Disease 1, Autosomal Dominant; Polycystic kidney disease 1; Polycystic kidney disease 1, severe; Polycystic Kidney, Autosomal Dominant; POLYCYSTIC KIDNEY DISEASE, ADULT, TYPE I. Identifiers: MedGen C3149841, MONDO:0008263, OMIM 173900.

Submission:

Women's Health and Genetics/Laboratory Corporation of America, LabCorp
Classification: Pathogenic for Polycystic kidney disease, adult type. Last evaluated: 2025-04-22. Review status: criteria provided, single submitter. Criteria: LabCorp Variant Classification Summary - May 2015. Collection method: clinical testing. Allele origin: germline.
Comment: Variant summary: PKD1 c.6747_6750delinsCA (p.Thr2250SerfsX11) results in a premature termination codon, predicted to cause a truncation of the encoded protein or absence of the protein due to nonsense mediated decay, which are commonly known mechanisms for disease. The variant was absent in 248510 control chromosomes. To our knowledge, no occurrence of c.6747_6750delinsCA in individuals affected with Polycystic Kidney Disease 1 and no experimental evidence demonstrating its impact on protein function have been reported. ClinVar contains an entry for this variant (Variation ID: 2573451). Based on the evidence outlined above, the variant was classified as pathogenic.

NM_001009944.3(PKD1):c.6747_6750delinsCA (p.Thr2250fs)

Gene: PKD1 (polycystin 1, transient receptor potential channel interacting; minus strand). Cytogenetic location: 16p13.3.
Variant type: Indel.
Coding change: c.6747_6750delinsCA on transcript NM_001009944.3 (MANE Select); coding-DNA positions 6747 to 6750, GACG replaced by CA.
Protein change: p.Thr2250fs; shifts the reading frame from threonine 2250.
Molecular consequence: frameshift variant.
Genome position (GRCh38, 1-based): chr16:2,108,417-2,108,420, CGTC replaced by TG on the plus strand (GACG replaced by CA on the coding strand, the reverse complement: PKD1 is on the minus strand). VCF-style: chr16-2108417-CGTC-TG. GRCh37 (hg19) VCF-style: chr16-2158418-CGTC-TG.
Other names: c.6747_6750delinsCA, p.Thr2250fs (NM_000296.4); c.6747_6750delGACGinsCA, p.Thr2250Serfs (NM_001009944.2); short protein forms T2250fs.
Identifiers: ClinVar variation 2573451 (VCV002573451.2), dbSNP rs2544800654, ClinGen allele CA2580613376.